The following is an entry in ClinVar:

NM_001319206.4(MEF2A):c.1253AGC[6] (p.Gln424_Gln428del)

Gene: MEF2A (myocyte enhancer factor 2A; plus strand). Cytogenetic location: 15q26.3.
Variant type: Microsatellite.
Coding change: c.1253AGC[6] on transcript NM_001319206.4 (MANE Select); six copies in a row of the 3-base unit AGC starting at c.1253; the reference has 11 copies in a row; five copies, 15 bases deleted.
Protein change: p.Gln424_Gln428del.
Genome position (GRCh38, 1-based): chr15:99,712,524-99,712,538, AGCAGCAGCAGCAGC deleted; deleting any 15 consecutive bases within chr15:99,712,505-99,712,538 gives the same sequence; the position shown is the placement nearest the transcript's 3' end. VCF-style (leftmost placement, unchanged base first): chr15-99712504-CCAGCAGCAGCAGCAG-C. GRCh37 (hg19) VCF-style: chr15-100252709-CCAGCAGCAGCAGCAG-C.
Other names: c.1229AGC[6], p.Gln416_Gln420del (NM_001130926.5, NM_001171894.5, NM_001352614.4 and 15 more transcripts); c.1049AGC[6], p.Gln356_Gln360del (NM_001130927.5, NM_001365209.3); c.1025AGC[6], p.Gln348_Gln352del (NM_001130928.4, NM_001393559.2); c.1253AGC[6], p.Gln424_Gln428del (NM_001352616.4, NM_001365205.3, NM_001400031.1 and 5 more transcripts); c.1235AGC[6], p.Gln418_Gln422del (NM_001352617.4, NM_001365207.3, NM_001400038.1 and 8 more transcripts); c.1247AGC[6], p.Gln422_Gln426del (NM_001352618.4, NM_001365206.3, NM_001400037.1); c.1271AGC[6], p.Gln430_Gln434del (NM_001365201.3, NM_001365202.3); c.1259AGC[6], p.Gln426_Gln430del (NM_001365203.3, NM_001365204.3, NM_001400029.1 and 1 more transcripts); and 6 more.
Identifiers: ClinVar variation 3039553 (VCV003039553.2), dbSNP rs3138597, ClinGen allele CA7755655.

ClinVar aggregate classification (germline): Benign (0 of 4 stars; one submission).

Conditions:
MEF2A-related disorder. Also called: MEF2A-related condition.

Submission:

PreventionGenetics, part of Exact Sciences
Classification: Benign for MEF2A-related condition. Last evaluated: 2019-11-01. Review status: no assertion criteria provided. Collection method: clinical testing. Allele origin: germline.
Comment: This variant is classified as benign based on ACMG/AMP sequence variant interpretation guidelines (Richards et al. 2015 PMID: 25741868, with internal and published modifications).